The following is an entry in ClinVar:

ClinVar aggregate classification (germline): Uncertain significance. Review status: criteria provided, multiple submitters, no conflicts (2 of 4 stars). 3 submissions from 3 submitters: Uncertain significance (3). Last evaluated 2025-04-14.

Conditions:
Progressive sclerosing poliodystrophy (MTDPS4A). Also called: Mitochondrial DNA Depletion Syndrome 4A; Alpers-Huttenlocher Syndrome (AHS); Alpers Syndrome; ALPERS DIFFUSE DEGENERATION OF CEREBRAL GRAY MATTER WITH HEPATIC CIRRHOSIS; Alpers-Huttenlocher Syndrome; Mitochondrial DNA depletion syndrome 4A (Alpers type). Identifiers: Orphanet 726, MedGen C0205710, MONDO:0008758, OMIM 203700.
Inborn genetic diseases. Identifiers: MedGen C0950123, MeSH D030342.

Allele frequency attached by ClinVar (database versions not stated): gnomAD exomes below 0.00001; TOPMed below 0.00001.
gnomAD v4.1: 2 of 1,613,804 alleles (0.00012%); highest among the groups gnomAD compares: African/African-American, 0.0013%; no homozygotes.

Submissions (3):

Labcorp Genetics (formerly Invitae), Labcorp
Classification: Uncertain significance for Progressive sclerosing poliodystrophy. Last evaluated: 2025-04-14. Review status: criteria provided, single submitter. Criteria: Invitae Variant Classification Sherloc (09022015). Collection method: clinical testing. Allele origin: germline.
Comment: This sequence change replaces glutamine, which is neutral and polar, with arginine, which is basic and polar, at codon 984 of the POLG protein (p.Gln984Arg). This variant is not present in population databases (gnomAD no frequency). This variant has not been reported in the literature in individuals affected with POLG-related conditions. ClinVar contains an entry for this variant (Variation ID: 1310046). Invitae Evidence Modeling of protein sequence and biophysical properties (such as structural, functional, and spatial information, amino acid conservation, physicochemical variation, residue mobility, and thermodynamic stability) has been performed for this missense variant. However, the output from this modeling did not meet the statistical confidence thresholds required to predict the impact of this variant on POLG protein function. In summary, the available evidence is currently insufficient to determine the role of this variant in disease. Therefore, it has been classified as a Variant of Uncertain Significance.

Ambry Genetics
Classification: Uncertain significance for Inborn genetic diseases. Last evaluated: 2023-12-16. Review status: criteria provided, single submitter. Criteria: Ambry Variant Classification Scheme 2023. Collection method: clinical testing. Allele origin: germline.

GeneDx
Classification: Uncertain significance. Last evaluated: 2020-06-17. Review status: criteria provided, single submitter. Criteria: GeneDx Variant Classification Process June 2021. Collection method: clinical testing. Allele origin: germline. Affected: yes.
Comment: Not observed in large population cohorts (Lek et al., 2016); In silico analysis, which includes protein predictors and evolutionary conservation, supports that this variant does not alter protein structure/function; Has not been previously published as pathogenic or benign to our knowledge

NM_002693.3(POLG):c.2951A>G (p.Gln984Arg)

Gene: POLG (DNA polymerase gamma, catalytic subunit; minus strand). Cytogenetic location: 15q26.1.
Variant type: single nucleotide variant.
Coding change: c.2951A>G on transcript NM_002693.3 (MANE Select); coding-DNA position 2951, A replaced by G.
Protein change: p.Gln984Arg; replaces glutamine 984 with arginine.
Molecular consequence: missense variant.
Genome position (GRCh38, 1-based): chr15:89,320,796, T>C on the plus strand (A>G on the coding strand, the complement: POLG is on the minus strand). VCF-style: chr15-89320796-T-C. GRCh37 (hg19) VCF-style: chr15-89864027-T-C.
Other names: c.2951A>G, p.Gln984Arg (NM_001126131.2); short protein forms Q984R.
Identifiers: ClinVar variation 1310046 (VCV001310046.10), dbSNP rs1780095681, ClinGen allele CA393752179.